The following is an entry in ClinVar:

NM_177438.3(DICER1):c.2732G>C (p.Ser911Thr)

Gene: DICER1 (dicer 1, ribonuclease III; minus strand). Cytogenetic location: 14q32.13.
Variant type: single nucleotide variant.
Coding change: c.2732G>C on transcript NM_177438.3 (MANE Select); coding-DNA position 2732, G replaced by C.
Protein change: p.Ser911Thr; replaces serine 911 with threonine.
Molecular consequence: missense variant. On other transcripts: non-coding transcript variant (6).
Genome position (GRCh38, 1-based): chr14:95,107,680, C>G on the plus strand (G>C on the coding strand, the complement: DICER1 is on the minus strand). VCF-style: chr14-95107680-C-G. GRCh37 (hg19) VCF-style: chr14-95574017-C-G.
Other names: c.2732G>C, p.Ser911Thr (NM_001195573.1, NM_001271282.3, NM_001291628.2 and 13 more transcripts); c.2450G>C, p.Ser817Thr (NM_001395686.1); c.2327G>C, p.Ser776Thr (NM_001395687.1, NM_001395688.1, NM_001395689.1 and 2 more transcripts); c.2165G>C, p.Ser722Thr (NM_001395691.1); c.1049G>C, p.Ser350Thr (NM_001395697.1); short protein forms S776T, S911T, S722T, S350T, S817T.
Identifiers: ClinVar variation 2134434 (VCV002134434.4), dbSNP rs771697618, ClinGen allele CA390879562.

ClinVar aggregate classification (germline): Uncertain significance (1 of 4 stars; one submission).

Conditions:
DICER1-related tumor predisposition. Also called: DICER1 syndrome; DICER1-related pleuropulmonary blastoma cancer predisposition syndrome. Identifiers: Orphanet 284343, MedGen C3839822, MONDO:0100216.

gnomAD v4.1: 1 of 1,612,684 alleles (0.000062%); highest among the groups gnomAD compares: East Asian, 0.0022%; no homozygotes.

Submission:

Labcorp Genetics (formerly Invitae), Labcorp
Classification: Uncertain significance for DICER1-related tumor predisposition. Last evaluated: 2022-05-05. Review status: criteria provided, single submitter. Criteria: Invitae Variant Classification Sherloc (09022015). Collection method: clinical testing. Allele origin: germline.
Comment: This sequence change replaces serine, which is neutral and polar, with threonine, which is neutral and polar, at codon 911 of the DICER1 protein (p.Ser911Thr). This variant is not present in population databases (gnomAD no frequency). This variant has not been reported in the literature in individuals affected with DICER1-related conditions. Algorithms developed to predict the effect of missense changes on protein structure and function (SIFT, PolyPhen-2, Align-GVGD) all suggest that this variant is likely to be tolerated. In summary, the available evidence is currently insufficient to determine the role of this variant in disease. Therefore, it has been classified as a Variant of Uncertain Significance.